The following is an entry in ClinVar:

NM_015120.4(ALMS1):c.1577_1579dup (p.Pro526_Leu527insPro)

Gene: ALMS1 (ALMS1 centrosome and basal body associated protein; plus strand). Cytogenetic location: 2p13.1.
Variant type: Microsatellite.
Coding change: c.1577_1579dup on transcript NM_015120.4; coding-DNA positions 1577 to 1579, 3 bases duplicated (CTC; older notation c.1577_1579dupCTC).
Protein change: p.Pro526_Leu527insPro.
Molecular consequence: inframe insertion.
Genome position (GRCh38, 1-based): chr2:73,448,101-73,448,103, CTC duplicated; duplicating any 3 consecutive bases within chr2:73,448,098-73,448,103 gives the same sequence; the c. name uses the placement nearest the transcript's 3' end. VCF-style (leftmost placement, unchanged base first): chr2-73448097-T-TCTC. GRCh37 (hg19) VCF-style: chr2-73675227-T-TCTCCTC.
Other names: NM_015120.4:c.1573_1574insCTC; p.Ser524_Leu525insPro; c.1571CTC[3], p.Pro525dup (NM_001378454.1); c.1574CTC[3], p.Pro526dup (NM_015120.4).
Identifiers: ClinVar variation 221186 (VCV000221186.15), dbSNP rs34628045, ClinGen allele CA349369.

ClinVar aggregate classification (germline): Benign. Review status: criteria provided, multiple submitters, no conflicts (2 of 4 stars). 8 submissions from 8 submitters: Benign (5). 3 of the submissions do not count toward it. Last evaluated 2024-11-26.

Conditions:
Alstrom syndrome (ALMS). Identifiers: Orphanet 64, MedGen C0268425, MONDO:0008763, OMIM 203800.
Cardiovascular phenotype. Identifiers: MedGen CN230736.

Submissions (8):

Blueprint Genetics
Classification: Benign. Last evaluated: 2024-11-26. Review status: criteria provided, single submitter. Criteria: ACMG Guidelines, 2015. Collection method: clinical testing. Allele origin: germline.

Ambry Genetics
Classification: Benign for Cardiovascular phenotype. Last evaluated: 2018-12-21. Review status: criteria provided, single submitter. Criteria: Ambry Variant Classification Scheme 2023. Collection method: clinical testing. Allele origin: germline.

Laboratory for Molecular Medicine, Mass General Brigham Personalized Medicine
Classification: Benign. Last evaluated: 2016-03-21. Review status: criteria provided, single submitter. Criteria: LMM Criteria. Collection method: clinical testing. Allele origin: germline. Observed: 229 variant alleles.
Comment: p.Ser524_Leu525insPro in exon 8 of ALMS1: This variant is not expected to have c linical significance because it has been identified in 77.61% (6676/8602) of Eas t Asian chromosomes by the Exome Aggregation Consortium (ExAC; dbSNP rs587621330).

Labcorp Genetics (formerly Invitae), Labcorp
Classification: Benign for Alstrom syndrome. Last evaluated: 2015-11-12. Review status: criteria provided, single submitter. Criteria: Invitae Variant Classification Sherloc (09022015). Collection method: clinical testing. Allele origin: germline.

Women's Health and Genetics/Laboratory Corporation of America, LabCorp
Classification: Benign. Last evaluated: 2013-03-25. Review status: criteria provided, single submitter. Criteria: LabCorp Variant Classification Summary - May 2015. Collection method: clinical testing. Allele origin: germline.

Clinical Genetics, Academic Medical Center
Classification: Benign. Review status: no assertion criteria provided. Collection method: clinical testing. Allele origin: germline. Affected: yes. Study: VKGL Data-share Consensus. Not counted in ClinVar's aggregate classification.

Diagnostic Laboratory, Department of Genetics, University Medical Center Groningen
Classification: Benign. Review status: no assertion criteria provided. Collection method: clinical testing. Allele origin: germline. Affected: yes. Study: VKGL Data-share Consensus. Not counted in ClinVar's aggregate classification.

Genome Diagnostics Laboratory, University Medical Center Utrecht
Classification: Benign. Review status: no assertion criteria provided. Collection method: clinical testing. Allele origin: germline. Affected: yes. Study: VKGL Data-share Consensus. Not counted in ClinVar's aggregate classification.